The following is an entry in ClinVar:

NM_005506.4(SCARB2):c.228C>G (p.Leu76=)

Gene: SCARB2 (scavenger receptor class B member 2; minus strand). Cytogenetic location: 4q21.1.
Variant type: single nucleotide variant.
Coding change: c.228C>G on transcript NM_005506.4 (MANE Select); coding-DNA position 228, C replaced by G.
Protein change: p.Leu76=; no amino-acid change (leucine 76 retained).
Molecular consequence: synonymous variant.
Genome position (GRCh38, 1-based): chr4:76,195,754, G>C on the plus strand (C>G on the coding strand, the complement: SCARB2 is on the minus strand). VCF-style: chr4-76195754-G-C. GRCh37 (hg19) VCF-style: chr4-77116907-G-C.
Other names: c.228C>G, p.Leu76= (NM_001204255.2).
Identifiers: ClinVar variation 517772 (VCV000517772.12), dbSNP rs35069772, ClinGen allele CA2970391.

ClinVar aggregate classification (germline): Likely benign. Review status: criteria provided, multiple submitters, no conflicts (2 of 4 stars). 3 submissions from 3 submitters: Likely benign (2). 1 of the submissions does not count toward it. Last evaluated 2025-11-25.

Conditions:
SCARB2-related disorder. Also called: SCARB2-related condition.
Progressive myoclonic epilepsy. Also called: Familial progressive myoclonic epilepsy; Myoclonic Epilepsies, Progressive; Myoclonus epilepsy; Progressive myoclonus epilepsy. Identifiers: Orphanet 308, Orphanet 98261, MedGen C0751778, MONDO:0020074.

gnomAD v4.1: 25 of 1,613,948 alleles (0.0015%); highest among the groups gnomAD compares: Admixed American, 0.04%; no homozygotes.

Submissions (3):

Labcorp Genetics (formerly Invitae), Labcorp
Classification: Likely benign for Progressive myoclonic epilepsy. Last evaluated: 2025-11-25. Review status: criteria provided, single submitter. Criteria: Invitae Variant Classification Sherloc (09022015). Collection method: clinical testing. Allele origin: germline.

GeneDx
Classification: Likely benign. Last evaluated: 2017-03-03. Review status: criteria provided, single submitter. Criteria: GeneDx Variant Classification (06012015). Collection method: clinical testing. Allele origin: germline. Affected: yes.
Comment: This variant is considered likely benign or benign based on one or more of the following criteria: it is a conservative change, it occurs at a poorly conserved position in the protein, it is predicted to be benign by multiple in silico algorithms, and/or has population frequency not consistent with disease.

PreventionGenetics, part of Exact Sciences
Classification: Likely benign for SCARB2-related condition. Last evaluated: 2022-03-14. Review status: no assertion criteria provided. Collection method: clinical testing. Allele origin: germline. Not counted in ClinVar's aggregate classification.
Comment: This variant is classified as likely benign based on ACMG/AMP sequence variant interpretation guidelines (Richards et al. 2015 PMID: 25741868, with internal and published modifications).